The following is an entry in ClinVar:

NM_005911.6(MAT2A):c.422A>G (p.Tyr141Cys)

Genes: GGCX (gamma-glutamyl carboxylase; minus strand), MAT2A (methionine adenosyltransferase 2A; plus strand). Cytogenetic location: 2p11.2.
Variant type: single nucleotide variant.
Coding change: c.422A>G on transcript NM_005911.6 (MANE Select); coding-DNA position 422, A replaced by G.
Protein change: p.Tyr141Cys; replaces tyrosine 141 with cysteine.
Molecular consequence: missense variant.
Genome position (GRCh38, 1-based): chr2:85,541,845, A>G. VCF-style: chr2-85541845-A-G. GRCh37 (hg19) VCF-style: chr2-85768968-A-G.
Other names: short protein forms Y141C.
Identifiers: ClinVar variation 3684408 (VCV003684408.2).
Genomic context (GRCh38, chr2:85,541,845, plus strand): 5'-TAAATTCTGGAGCTTGATCACATTGGTGACTTTTCTTTCTTTAGGGCTTAATGTTTGGCT[A>G]TGCCACTGATGAAACTGAGGAGTGTATGCCTTTAACCATTGTCTTGGCACACAAGCTAAA-3'
Protein context (NP_005902.1, residues 131-151): GAGDQGLMFG[Tyr141Cys]ATDETEECMP

ClinVar aggregate classification (germline): Uncertain significance (1 of 4 stars; one submission).

Conditions:
Familial thoracic aortic aneurysm and aortic dissection (TAAD). Also called: Thoracic aortic aneurysms and dissections. Identifiers: Orphanet 91387, MedGen C4707243, MONDO:0019625.

Submission:

Labcorp Genetics (formerly Invitae), Labcorp
Classification: Uncertain significance for Familial thoracic aortic aneurysm and aortic dissection. Last evaluated: 2024-11-18. Review status: criteria provided, single submitter. Criteria: Invitae Variant Classification Sherloc (09022015). Collection method: clinical testing. Allele origin: germline.
Comment: This sequence change replaces tyrosine, which is neutral and polar, with cysteine, which is neutral and slightly polar, at codon 141 of the MAT2A protein (p.Tyr141Cys). This variant is not present in population databases (gnomAD no frequency). This variant has not been reported in the literature in individuals affected with MAT2A-related conditions. Invitae Evidence Modeling of protein sequence and biophysical properties (such as structural, functional, and spatial information, amino acid conservation, physicochemical variation, residue mobility, and thermodynamic stability) indicates that this missense variant is expected to disrupt MAT2A protein function with a positive predictive value of 80%. In summary, the available evidence is currently insufficient to determine the role of this variant in disease. Therefore, it has been classified as a Variant of Uncertain Significance.